The following is an entry in ClinVar:

ClinVar aggregate classification (germline): Likely pathogenic. Review status: criteria provided, multiple submitters, no conflicts (2 of 4 stars). 2 submissions from 2 submitters: Likely pathogenic (2). Last evaluated 2025-09-22.

Conditions:
Spastic paraplegia. Identifiers: MedGen C0037772, HP:0001258.
Hereditary spastic paraplegia 3A (SPG3A). Also called: Spastic paraplegia 3A, autosomal dominant; SPASTIC PARAPLEGIA 3, AUTOSOMAL DOMINANT; FAMILIAL SPASTIC PARAPLEGIA, AUTOSOMAL DOMINANT, 1; SPG3; STRUMPELL DISEASE; Spastic Paraplegia 3A. Identifiers: Orphanet 100984, MedGen C2931355, MONDO:0008437, OMIM 182600.

Allele frequency attached by ClinVar (database versions not stated): gnomAD exomes below 0.00001; TOPMed below 0.00001.
gnomAD v4.1: 5 of 1,611,912 alleles (0.00031%); highest among the groups gnomAD compares: African/African-American, 0.0013%; no homozygotes.

Submissions (2):

Labcorp Genetics (formerly Invitae), Labcorp
Classification: Likely pathogenic for Hereditary spastic paraplegia 3A. Last evaluated: 2025-09-22. Review status: criteria provided, single submitter. Criteria: Invitae Variant Classification Sherloc (09022015). Collection method: clinical testing. Allele origin: germline.
Comment: This sequence change replaces arginine, which is basic and polar, with histidine, which is basic and polar, at codon 239 of the ATL1 protein (p.Arg239His). This variant is present in population databases (no rsID available, gnomAD 0.0009%). This variant has not been reported in the literature in individuals affected with ATL1-related conditions. ClinVar contains an entry for this variant (Variation ID: 1017361). Invitae Evidence Modeling of protein sequence and biophysical properties (such as structural, functional, and spatial information, amino acid conservation, physicochemical variation, residue mobility, and thermodynamic stability) indicates that this missense variant is expected to disrupt ATL1 protein function with a positive predictive value of 95%. This variant disrupts the p.Arg239 amino acid residue in ATL1. Other variant(s) that disrupt this residue have been determined to be pathogenic (PMID: 14607301, 15517445, 19459885, 19652243, 25637064). This suggests that this residue is clinically significant, and that variants that disrupt this residue are likely to be disease-causing. In summary, the currently available evidence indicates that the variant is pathogenic, but additional data are needed to prove that conclusively. Therefore, this variant has been classified as Likely Pathogenic.

Dept. of Medical Genetics, Telemark Hospital Trust, Telemark Hospital Trust
Classification: Likely pathogenic for Spastic paraplegia. Last evaluated: 2020-10-15. Review status: criteria provided, single submitter. Criteria: AMP Guidelines, 2017. Collection method: clinical testing. Allele origin: germline. Inheritance: Autosomal dominant inheritance. Affected: yes. Observed: 2 variant alleles, 2 heterozygotes. Clinical features observed: Progressive spastic paraparesis (HP:0007199).
Comment: The Arg239His variant in ATL1 has not been reported previously, but two other variants situated in the same codon p.(Arg239Cys) and p.(Arg239Leu) have been reported to cause HSP (Zhao 2001 and Smith 2009). The variant is reported once in GnomAD (1 allele from a total of 251 004 alleles). Further functional studies have shown that Arginine in position 239 is important for ATL1 function absent from large population studies (Botzolakis 2011, Zhao 2013 and Terada 2013). In summary, the Arg239Cys variant meets our criteria to be classified as likely pathogenic variant based upon reports of pathogenic variants situated in the same codon, low frequency among controls, and functional evidence.

Literature cited by the submitters: PubMed 14607301 (cited by Labcorp Genetics (formerly Invitae), Labcorp); PubMed 15517445 (cited by Labcorp Genetics (formerly Invitae), Labcorp); PubMed 19459885 (cited by Labcorp Genetics (formerly Invitae), Labcorp); PubMed 19652243 (cited by Labcorp Genetics (formerly Invitae), Labcorp); PubMed 25637064 (cited by Labcorp Genetics (formerly Invitae), Labcorp).

NM_015915.5(ATL1):c.716G>A (p.Arg239His)

Gene: ATL1 (atlastin GTPase 1; plus strand). Cytogenetic location: 14q22.1.
Variant type: single nucleotide variant.
Coding change: c.716G>A on transcript NM_015915.5 (MANE Select); coding-DNA position 716, G replaced by A.
Protein change: p.Arg239His; replaces arginine 239 with histidine.
Molecular consequence: missense variant.
Genome position (GRCh38, 1-based): chr14:50,613,344, G>A. VCF-style: chr14-50613344-G-A. GRCh37 (hg19) VCF-style: chr14-51080062-G-A.
Other names: c.716G>A, p.Arg239His (NM_001127713.1, NM_181598.4); short protein forms R239H.
Identifiers: ClinVar variation 1017361 (VCV001017361.14), dbSNP rs1241621325, ClinGen allele CA389671154.
Genomic context (GRCh38, chr14:50,613,344, plus strand): 5'-GGAGTTTCCCATACGAATTTTCATATGGAGCCGATGGTGGTGCCAAATTCTTGGAAAAAC[G>A]CCTCAAGGTTTGTTAGATATTTAGGTGCATGAAATTTCACTAATAATCTGGAATTATTTC-3'
Protein context (NP_056999.2, residues 229-249): ADGGAKFLEK[Arg239His]LKVSGNQHEE